The following is an entry in ClinVar:

NM_001081.4(CUBN):c.7346T>C (p.Met2449Thr)

Gene: CUBN (cubilin; minus strand). Cytogenetic location: 10p13.
Variant type: single nucleotide variant.
Coding change: c.7346T>C on transcript NM_001081.4 (MANE Select); coding-DNA position 7346, T replaced by C.
Protein change: p.Met2449Thr; replaces methionine 2449 with threonine.
Molecular consequence: missense variant.
Genome position (GRCh38, 1-based): chr10:16,915,037, A>G on the plus strand (T>C on the coding strand, the complement: CUBN is on the minus strand). VCF-style: chr10-16915037-A-G. GRCh37 (hg19) VCF-style: chr10-16957036-A-G.
Other names: p.Met2449Thr; short protein forms M2449T.
Identifiers: ClinVar variation 463389 (VCV000463389.30), dbSNP rs41301097, ClinGen allele CA5423408.

ClinVar aggregate classification (germline): Benign. Review status: criteria provided, multiple submitters, no conflicts (2 of 4 stars). 8 submissions from 8 submitters: Benign (5). 3 of the submissions do not count toward it. Last evaluated 2026-01-15.

Conditions:
CUBN-related disorder. Also called: CUBN-related condition.
Imerslund-Grasbeck syndrome type 1 (IGS1). Also called: Megaloblastic anemia 1, Finnish type; MEGALOBLASTIC ANEMIA, 1; Imerslund-Gräsbeck syndrome 1. Identifiers: MedGen C4016819, MONDO:0100156, OMIM 261100.
Imerslund-Grasbeck syndrome. Also called: Megaloblastic anemia due to inborn errors of metabolism; ENTEROCYTE COBALAMIN MALABSORPTION; ENTEROCYTE INTRINSIC FACTOR RECEPTOR, DEFECT OF; PERNICIOUS ANEMIA, JUVENILE, DUE TO SELECTIVE INTESTINAL MALABSORPTION OF VITAMIN B12, WITH PROTEINURIA; Imerslund-Gräsbeck syndrome. Identifiers: Orphanet 35858, MedGen C4551825, MONDO:0009853.

Allele frequency attached by ClinVar (database versions not stated): TOPMed 0.00177; ESP Exome Variant Server 0.00238; 1000 Genomes Project 0.00339; 1000 Genomes Project 30x 0.00390.
gnomAD v4.1: 5,149 of 1,613,826 alleles (0.32%); highest among the groups gnomAD compares: South Asian, 1.8%; 40 homozygotes.

Submissions (8):

Labcorp Genetics (formerly Invitae), Labcorp
Classification: Benign for Imerslund-Grasbeck syndrome. Last evaluated: 2026-01-15. Review status: criteria provided, single submitter. Criteria: Invitae Variant Classification Sherloc (09022015). Collection method: clinical testing. Allele origin: germline.

Mayo Clinic Laboratories, Mayo Clinic
Classification: Benign. Last evaluated: 2025-09-23. Review status: criteria provided, single submitter. Criteria: ACMG Guidelines, 2015. Collection method: clinical testing. Allele origin: germline. Observed: 3 variant alleles.
Comment: BS1, BS2, BP4

ARUP Laboratories, Molecular Genetics and Genomics, ARUP Laboratories
Classification: Benign. Last evaluated: 2025-06-04. Review status: criteria provided, single submitter. Criteria: ARUP Molecular Germline Variant Investigation Process 2024. Collection method: clinical testing. Allele origin: germline.

Illumina Laboratory Services, Illumina
Classification: Benign for Imerslund-Grasbeck syndrome type 1. Last evaluated: 2018-01-13. Review status: criteria provided, single submitter. Criteria: ICSL Variant Classification Criteria 13 December 2019. Collection method: clinical testing. Allele origin: germline.
Comment: This variant was observed in the ICSL laboratory as part of a predisposition screen in an ostensibly healthy population. It had not been previously curated by ICSL or reported in the Human Gene Mutation Database (HGMD: prior to June 1st, 2018), and was therefore a candidate for classification through an automated scoring system. Utilizing variant allele frequency, disease prevalence and penetrance estimates, and inheritance mode, an automated score was calculated to assess if this variant is too frequent to cause the disease. Based on the score and internal cut-off values, a variant classified as benign is not then subjected to further curation. The score for this variant resulted in a classification of benign for this disease.

Breakthrough Genomics
Classification: Benign. Review status: criteria provided, single submitter. Criteria: ACMG Guidelines, 2015. Collection method: not provided. Allele origin: germline. Inheritance: Autosomal recessive inheritance. Affected: yes.

PreventionGenetics, part of Exact Sciences
Classification: Benign for CUBN-related condition. Last evaluated: 2020-08-21. Review status: no assertion criteria provided. Collection method: clinical testing. Allele origin: germline. Not counted in ClinVar's aggregate classification.
Comment: This variant is classified as benign based on ACMG/AMP sequence variant interpretation guidelines (Richards et al. 2015 PMID: 25741868, with internal and published modifications).

Clinical Genetics DNA and cytogenetics Diagnostics Lab, Erasmus MC, Erasmus Medical Center
Classification: Likely benign. Review status: no assertion criteria provided. Collection method: clinical testing. Allele origin: germline. Affected: yes. Study: VKGL Data-share Consensus. Not counted in ClinVar's aggregate classification.

Genome Diagnostics Laboratory, University Medical Center Utrecht
Classification: Likely benign. Review status: no assertion criteria provided. Collection method: clinical testing. Allele origin: germline. Affected: yes. Study: VKGL Data-share Consensus. Not counted in ClinVar's aggregate classification.